The following is an entry in ClinVar:

ClinVar aggregate classification (germline): Likely benign (1 of 4 stars; one submission).

gnomAD v4.1: 5 of 1,614,120 alleles (0.00031%); highest among the groups gnomAD compares: African/African-American, 0.0013%; no homozygotes.

Submission:

CeGaT Center for Human Genetics Tuebingen
Classification: Likely benign. Last evaluated: 2026-03-01. Review status: criteria provided, single submitter. Criteria: CeGaT Center For Human Genetics Tuebingen Variant Classification Criteria Version 2. Collection method: clinical testing. Allele origin: germline. Affected: yes. Observed: 1 variant allele.
Comment: SALL1: BP4, BP7

NM_002968.3(SALL1):c.3129T>C (p.Asn1043=)

Gene: SALL1 (spalt like transcription factor 1; minus strand). Cytogenetic location: 16q12.1.
Variant type: single nucleotide variant.
Coding change: c.3129T>C on transcript NM_002968.3 (MANE Select); coding-DNA position 3129, T replaced by C.
Protein change: p.Asn1043=; no amino-acid change (asparagine 1043 retained).
Molecular consequence: synonymous variant.
Genome position (GRCh38, 1-based): chr16:51,139,093, A>G on the plus strand (T>C on the coding strand, the complement: SALL1 is on the minus strand). VCF-style: chr16-51139093-A-G. GRCh37 (hg19) VCF-style: chr16-51173004-A-G.
Other names: c.2838T>C, p.Asn946= (NM_001127892.2).
Identifiers: ClinVar variation 4821297 (VCV004821297.4).